The following is an entry in ClinVar:

ClinVar aggregate classification (germline): Uncertain significance (1 of 4 stars; one submission).

Submission:

Labcorp Genetics (formerly Invitae), Labcorp
Classification: Uncertain significance. Last evaluated: 2025-10-06. Review status: criteria provided, single submitter. Criteria: Invitae Variant Classification Sherloc (09022015). Collection method: clinical testing. Allele origin: germline.
Comment: This sequence change affects codon 185 of the RNF113A mRNA. It is a 'silent' change, meaning that it does not change the encoded amino acid sequence of the RNF113A protein. The frequency data for this variant in the population databases is considered unreliable, as metrics indicate poor data quality at this position in the gnomAD database. This variant has not been reported in the literature in individuals affected with RNF113A-related conditions. In summary, the available evidence is currently insufficient to determine the role of this variant in disease. Therefore, it has been classified as a Variant of Uncertain Significance.

NM_006978.3(RNF113A):c.555G>A (p.Ala185=)

Gene: RNF113A (ring finger protein 113A; minus strand). Cytogenetic location: Xq24.
Variant type: single nucleotide variant.
Coding change: c.555G>A on transcript NM_006978.3 (MANE Select); coding-DNA position 555, G replaced by A.
Protein change: p.Ala185=; no amino-acid change (alanine 185 retained).
Molecular consequence: synonymous variant.
Genome position (GRCh38, 1-based): chrX:119,871,059, C>T on the plus strand (G>A on the coding strand, the complement: RNF113A is on the minus strand). VCF-style: chrX-119871059-C-T. GRCh37 (hg19) VCF-style: chrX-119005022-C-T.
Identifiers: ClinVar variation 4777911 (VCV004777911.1).
Genomic context (GRCh38, chrX:119,871,059, plus strand): 5'-GTAGTCCTTACAGATGTCGGGCTGGTAATCCCAGCGCACGGTGGCACGTAGATGCTCGGG[C>T]GCTCGGATGGGGCCCTTCCTCACCATCCCGGAAGAGGCATTGCCCATAGACGTATCCTTG-3'
Protein context (NP_008909.1, residues 175-195): SGMVRKGPIR[Ala185=]PEHLRATVRW